The following is an entry in ClinVar:

NM_139318.5(KCNH5):c.2833A>G (p.Lys945Glu)

Gene: KCNH5 (potassium voltage-gated channel subfamily H member 5; minus strand). Cytogenetic location: 14q23.2.
Variant type: single nucleotide variant.
Coding change: c.2833A>G on transcript NM_139318.5 (MANE Select); coding-DNA position 2833, A replaced by G.
Protein change: p.Lys945Glu; replaces lysine 945 with glutamic acid.
Molecular consequence: missense variant. On other transcripts: 3 prime UTR variant (1).
Genome position (GRCh38, 1-based): chr14:62,707,642, T>C on the plus strand (A>G on the coding strand, the complement: KCNH5 is on the minus strand). VCF-style: chr14-62707642-T-C. GRCh37 (hg19) VCF-style: chr14-63174360-T-C.
Other names: c.*800A>G (NM_172375.3); short protein forms K945E.
Identifiers: ClinVar variation 575130 (VCV000575130.9), dbSNP rs1566633488, ClinGen allele CA390099731.

ClinVar aggregate classification (germline): Uncertain significance (1 of 4 stars; one submission).

Conditions:
Early-infantile DEE. Also called: Early infantile epileptic encephalopathy with suppression bursts; Early infantile epileptic encephalopathy; Ohtahara syndrome. Identifiers: Orphanet 1934, MedGen C0393706, MONDO:0800491.

Allele frequency attached by ClinVar (database versions not stated): gnomAD exomes below 0.00001.
gnomAD v4.1: 4 of 1,584,710 alleles (0.00025%); highest among the groups gnomAD compares: Non-Finnish European, 0.00034%; no homozygotes.

Submission:

Labcorp Genetics (formerly Invitae), Labcorp
Classification: Uncertain significance for Early-infantile DEE. Last evaluated: 2020-03-07. Review status: criteria provided, single submitter. Criteria: Invitae Variant Classification Sherloc (09022015). Collection method: clinical testing. Allele origin: germline.
Comment: This sequence change replaces lysine with glutamic acid at codon 945 of the KCNH5 protein (p.Lys945Glu). The lysine residue is moderately conserved and there is a small physicochemical difference between lysine and glutamic acid. This variant is not present in population databases (ExAC no frequency). This variant has not been reported in the literature in individuals with KCNH5-related disease. Algorithms developed to predict the effect of missense changes on protein structure and function (SIFT, PolyPhen-2, Align-GVGD) all suggest that this variant is likely to be tolerated, but these predictions have not been confirmed by published functional studies and their clinical significance is uncertain. In summary, the available evidence is currently insufficient to determine the role of this variant in disease. Therefore, it has been classified as a Variant of Uncertain Significance.